The following is an entry in ClinVar:

NM_000093.5(COL5A1):c.*8C>T

Genes: COL5A1 (collagen type V alpha 1 chain; plus strand), LOC101448202 (uncharacterized LOC101448202; minus strand). Cytogenetic location: 9q34.3.
Variant type: single nucleotide variant.
Coding change: c.*8C>T on transcript NM_000093.5 (MANE Select); 8 bases downstream of the stop codon, C replaced by T.
Molecular consequence: 3 prime UTR variant.
Genome position (GRCh38, 1-based): chr9:134,842,311, C>T. VCF-style: chr9-134842311-C-T. GRCh37 (hg19) VCF-style: chr9-137734157-C-T.
Other names: c.*8C>T (NM_001278074.1, NM_000093.4).
Identifiers: ClinVar variation 390858 (VCV000390858.5), dbSNP rs375921390, ClinGen allele CA5320766.

ClinVar aggregate classification (germline): Likely benign. Review status: criteria provided, single submitter (1 of 4 stars). 2 submissions from 2 submitters: Likely benign (1). 1 of the submissions does not count toward it. Last evaluated 2018-10-09.

Conditions:
COL5A1-related disorder. Also called: COL5A1-related condition.

Allele frequency attached by ClinVar (database versions not stated): ESP Exome Variant Server 0.00008; gnomAD exomes 0.00008; gnomAD 0.00005; TOPMed 0.00006; ExAC 0.00008.
gnomAD v4.1: 69 of 1,613,872 alleles (0.0043%); highest among the groups gnomAD compares: Admixed American, 0.015%; no homozygotes.

Submissions (2):

GeneDx
Classification: Likely benign. Last evaluated: 2018-10-09. Review status: criteria provided, single submitter. Criteria: GeneDx Variant Classification Process June 2021. Collection method: clinical testing. Allele origin: germline. Affected: yes.

PreventionGenetics, part of Exact Sciences
Classification: Likely benign for COL5A1-related condition. Last evaluated: 2022-09-08. Review status: no assertion criteria provided. Collection method: clinical testing. Allele origin: germline. Not counted in ClinVar's aggregate classification.
Comment: This variant is classified as likely benign based on ACMG/AMP sequence variant interpretation guidelines (Richards et al. 2015 PMID: 25741868, with internal and published modifications).